The following is an entry in ClinVar:

NM_001184.4(ATR):c.5636A>T (p.Asp1879Val)

Gene: ATR (ATR checkpoint kinase; minus strand). Cytogenetic location: 3q23.
Variant type: single nucleotide variant.
Coding change: c.5636A>T on transcript NM_001184.4 (MANE Select); coding-DNA position 5636, A replaced by T.
Protein change: p.Asp1879Val; replaces aspartic acid 1879 with valine.
Molecular consequence: missense variant.
Genome position (GRCh38, 1-based): chr3:142,497,115, T>A on the plus strand (A>T on the coding strand, the complement: ATR is on the minus strand). VCF-style: chr3-142497115-T-A. GRCh37 (hg19) VCF-style: chr3-142215957-T-A.
Other names: c.5444A>T, p.Asp1815Val (NM_001354579.2); short protein forms D1815V, D1879V.
Identifiers: ClinVar variation 3221219 (VCV003221219.1), dbSNP rs2108336303, ClinGen allele CA354814778.

ClinVar aggregate classification (germline): Uncertain significance (1 of 4 stars; one submission).

Conditions:
Inborn genetic diseases. Identifiers: MedGen C0950123, MeSH D030342.

Allele frequency attached by ClinVar (database versions not stated): gnomAD exomes below 0.00001.
gnomAD v4.1: 3 of 1,614,092 alleles (0.00019%); highest among the groups gnomAD compares: Non-Finnish European, 0.00017%; no homozygotes.

Submission:

Ambry Genetics
Classification: Uncertain significance for Inborn genetic diseases. Last evaluated: 2023-12-20. Review status: criteria provided, single submitter. Criteria: Ambry Variant Classification Scheme 2023. Collection method: clinical testing. Allele origin: germline.
Comment: The p.D1879V variant (also known as c.5636A>T), located in coding exon 33 of the ATR gene, results from an A to T substitution at nucleotide position 5636. The aspartic acid at codon 1879 is replaced by valine, an amino acid with highly dissimilar properties. This amino acid position is conserved. In addition, the in silico prediction for this alteration is inconclusive. Since supporting evidence is limited at this time, the clinical significance of this alteration remains unclear.